The following is an entry in ClinVar:

ClinVar aggregate classification (germline): Uncertain significance. Review status: criteria provided, multiple submitters, no conflicts (2 of 4 stars). 2 submissions from 2 submitters: Uncertain significance (2). Last evaluated 2025-06-30.

Conditions:
Malignant hyperthermia, susceptibility to, 5 (MHS5). Also called: CACNA1S-Related Malignant Hyperthermia Susceptibility. Identifiers: Orphanet 423, MedGen C1866077, MONDO:0011163, OMIM 601887.

Allele frequency attached by ClinVar (database versions not stated): TOPMed below 0.00001; ExAC 0.00001; gnomAD exomes 0.00001.
gnomAD v4.1: 16 of 1,608,278 alleles (0.00099%); highest among the groups gnomAD compares: Non-Finnish European, 0.0013%; no homozygotes.

Submissions (2):

Color Diagnostics, LLC DBA Color Health
Classification: Uncertain significance for Malignant hyperthermia, susceptibility to, 5. Last evaluated: 2025-06-30. Review status: criteria provided, single submitter. Criteria: ACMG Guidelines, 2015. Collection method: clinical testing. Allele origin: germline.
Comment: This missense variant replaces cysteine with tyrosine at codon 957 of the CACNA1S protein. Computational prediction suggests that this variant may have deleterious impact on protein structure and function. To our knowledge, functional studies have not been reported for this variant. This variant has not been reported in individuals affected with CACNA1S-related disorders in the literature. This variant has been identified in 1/251300 chromosomes in the general population by the Genome Aggregation Database (gnomAD). The available evidence is insufficient to determine the role of this variant in disease conclusively. Therefore, this variant is classified as a Variant of Uncertain Significance.

All of Us Research Program, National Institutes of Health
Classification: Uncertain significance for Malignant hyperthermia, susceptibility to, 5. Last evaluated: 2023-06-28. Review status: criteria provided, single submitter. Criteria: ACMG Guidelines, 2015. Collection method: clinical testing. Allele origin: germline. Inheritance: Autosomal dominant inheritance. Observed: 1 variant allele, 1 heterozygote.
Comment: This study involves interpretation of variants in research participants for the purpose of population health screening. Participant phenotype was not available at the time of variant classification. Additional details can be found in publication PMID: 35346344, PMCID: PMC8962531

NM_000069.3(CACNA1S):c.2870G>A (p.Cys957Tyr)

Gene: CACNA1S (calcium voltage-gated channel subunit alpha1 S; minus strand). Cytogenetic location: 1q32.1.
Variant type: single nucleotide variant.
Coding change: c.2870G>A on transcript NM_000069.3 (MANE Select); coding-DNA position 2870, G replaced by A.
Protein change: p.Cys957Tyr; replaces cysteine 957 with tyrosine.
Molecular consequence: missense variant.
Genome position (GRCh38, 1-based): chr1:201,062,498, C>T on the plus strand (G>A on the coding strand, the complement: CACNA1S is on the minus strand). VCF-style: chr1-201062498-C-T. GRCh37 (hg19) VCF-style: chr1-201031626-C-T.
Other names: short protein forms C957Y.
Identifiers: ClinVar variation 3072107 (VCV003072107.2), dbSNP rs761391113, ClinGen allele CA079355.